The following is an entry in ClinVar:

ClinVar aggregate classification (germline): Uncertain significance (1 of 4 stars; one submission).

Conditions:
Kabuki syndrome 2 (KABUK2). Also called: KDM6A-Related Kabuki Syndrome. Identifiers: Orphanet 2322, MedGen C3275495, MONDO:0010465, OMIM 300867.

Submission:

Labcorp Genetics (formerly Invitae), Labcorp
Classification: Uncertain significance for Kabuki syndrome 2. Last evaluated: 2019-07-23. Review status: criteria provided, single submitter. Criteria: Invitae Variant Classification Sherloc (09022015). Collection method: clinical testing. Allele origin: germline.
Comment: In summary, the available evidence is currently insufficient to determine the role of this variant in disease. Therefore, it has been classified as a Variant of Uncertain Significance. Algorithms developed to predict the effect of missense changes on protein structure and function (SIFT, PolyPhen-2, Align-GVGD) all suggest that this variant is likely to be disruptive, but these predictions have not been confirmed by published functional studies and their clinical significance is uncertain. This variant has not been reported in the literature in individuals with KDM6A-related conditions. This variant is not present in population databases (ExAC no frequency). This sequence change replaces alanine with serine at codon 1252 of the KDM6A protein (p.Ala1252Ser). The alanine residue is highly conserved and there is a moderate physicochemical difference between alanine and serine.

NM_001291415.2(KDM6A):c.3910G>T (p.Ala1304Ser)

Gene: KDM6A (lysine demethylase 6A; plus strand). Cytogenetic location: Xp11.3.
Variant type: single nucleotide variant.
Coding change: c.3910G>T on transcript NM_001291415.2 (MANE Select); coding-DNA position 3910, G replaced by T.
Protein change: p.Ala1304Ser; replaces alanine 1304 with serine.
Molecular consequence: missense variant. On other transcripts: non-coding transcript variant (1).
Genome position (GRCh38, 1-based): chrX:45,090,740, G>T. VCF-style: chrX-45090740-G-T. GRCh37 (hg19) VCF-style: chrX-44949985-G-T.
Other names: c.3775G>T, p.Ala1259Ser (NM_001291416.2); c.3619G>T, p.Ala1207Ser (NM_001291417.2); c.3517G>T, p.Ala1173Ser (NM_001291418.2); c.2866G>T, p.Ala956Ser (NM_001291421.2); c.3754G>T, p.Ala1252Ser (NM_021140.4); short protein forms A1173S, A956S, A1207S, A1252S, A1304S, A1259S.
Identifiers: ClinVar variation 960892 (VCV000960892.9), dbSNP rs2045860597, ClinGen allele CA412808023.
Genomic context (GRCh38, chrX:45,090,740, plus strand): 5'-TTGGTACTTTGGGTTGCTTTATAACTGTTTTTTTTTTTCCTAGCCTGCCAGTATAAATTG[G>T]CAGTGGAACGGTACGAATGGAACAAATTGCAAAGTGTGAAGTCAATAGTACCCATGGTTC-3'
Protein context (NP_001278344.1, residues 1294-1314): GPLTACQYKL[Ala1304Ser]VERYEWNKLQ